The following is an entry in ClinVar:

NM_014855.3(AP5Z1):c.*1687T>C

Gene: AP5Z1 (adaptor related protein complex 5 subunit zeta 1; plus strand). Cytogenetic location: 7p22.1.
Variant type: single nucleotide variant.
Coding change: c.*1687T>C on transcript NM_014855.3 (MANE Select); 1687 bases downstream of the stop codon, T replaced by C.
Molecular consequence: 3 prime UTR variant. On other transcripts: non-coding transcript variant (1).
Genome position (GRCh38, 1-based): chr7:4,793,072, T>C. VCF-style: chr7-4793072-T-C. GRCh37 (hg19) VCF-style: chr7-4832703-T-C.
Other names: c.*1687T>C (LRG_1247t1, NM_001364858.1).
Identifiers: ClinVar variation 360388 (VCV000360388.6), dbSNP rs76039626, ClinGen allele CA10626185.

ClinVar aggregate classification (germline): Likely benign. Review status: criteria provided, multiple submitters, no conflicts (2 of 4 stars). 2 submissions from 2 submitters: Likely benign (2). Last evaluated 2017-04-27.

Conditions:
Hereditary spastic paraplegia 48. Also called: SPASTIC PARAPLEGIA 48, AUTOSOMAL RECESSIVE; Spastic paraplegia 48. Identifiers: Orphanet 306511, MedGen C3150901, MONDO:0013342, OMIM 613647.

Allele frequency attached by ClinVar (database versions not stated): gnomAD exomes 0.03676; 1000 Genomes Project 0.09105; gnomAD 0.09368 and 0.09958; 1000 Genomes Project 30x 0.09728; TOPMed 0.10615.
gnomAD v4.1: 14,186 of 152,356 alleles (9.3%); highest among the groups gnomAD compares: African/African-American, 27%; 1,542 homozygotes.

Submissions (2):

Illumina Laboratory Services, Illumina
Classification: Likely benign for Hereditary spastic paraplegia 48. Last evaluated: 2017-04-27. Review status: criteria provided, single submitter. Criteria: ICSL Variant Classification Criteria 13 December 2019. Collection method: clinical testing. Allele origin: germline.
Comment: This variant was observed as part of a predisposition screen in an ostensibly healthy population. A literature search was performed for the gene, cDNA change, and amino acid change (where applicable). No publications were found based on this search. Allele frequency data from public databases allowed determination this variant is unlikely to cause disease. Therefore, this variant is classified as likely benign.

Breakthrough Genomics
Classification: Likely benign. Review status: criteria provided, single submitter. Criteria: ACMG Guidelines, 2015. Collection method: not provided. Allele origin: germline. Inheritance: Autosomal recessive inheritance. Affected: yes.